The following is an entry in ClinVar:

ClinVar aggregate classification (germline): Likely benign (0 of 4 stars; one submission).

Conditions:
ADCY3-related disorder. Also called: ADCY3-related condition.

Allele frequency attached by ClinVar (database versions not stated): gnomAD 0.00001; TOPMed 0.00001.
gnomAD v4.1: 28 of 1,613,976 alleles (0.0017%); highest among the groups gnomAD compares: Middle Eastern, 0.016%; no homozygotes.

Submission:

PreventionGenetics, part of Exact Sciences
Classification: Likely benign for ADCY3-related condition. Last evaluated: 2021-09-02. Review status: no assertion criteria provided. Collection method: clinical testing. Allele origin: germline.
Comment: This variant is classified as likely benign based on ACMG/AMP sequence variant interpretation guidelines (Richards et al. 2015 PMID: 25741868, with internal and published modifications).

NM_004036.5(ADCY3):c.3231G>A (p.Thr1077=)

Genes: ADCY3 (adenylate cyclase 3; minus strand), CENPO (centromere protein O; plus strand). Cytogenetic location: 2p23.3.
Variant type: single nucleotide variant.
Coding change: c.3231G>A on transcript NM_004036.5 (MANE Select); coding-DNA position 3231, G replaced by A.
Protein change: p.Thr1077=; no amino-acid change (threonine 1077 retained).
Molecular consequence: synonymous variant. On other transcripts: 3 prime UTR variant (3), non-coding transcript variant (3).
Genome position (GRCh38, 1-based): chr2:24,820,745, C>T on the plus strand (G>A on the coding strand, the complement: ADCY3 is on the minus strand). VCF-style: chr2-24820745-C-T. GRCh37 (hg19) VCF-style: chr2-25043614-C-T.
Other names: c.3234G>A, p.Thr1078= (NM_001320613.2); c.3297G>A, p.Thr1099= (NM_001377128.1); c.3093G>A, p.Thr1031= (NM_001377129.1); c.2679G>A, p.Thr893= (NM_001377130.1); c.2508G>A, p.Thr836= (NM_001377131.1); c.3231G>A, p.Thr1077= (NM_001377132.1); c.*1427C>T (NM_001199803.3, NM_001322101.2, NM_024322.4).
Identifiers: ClinVar variation 3036607 (VCV003036607.2), dbSNP rs761523411, ClinGen allele CA43677235.